The following is an entry in ClinVar:

NM_006303.4(AIMP2):c.850G>A (p.Val284Ile)

Genes: AIMP2 (aminoacyl tRNA synthetase complex interacting multifunctional protein 2; plus strand), EIF2AK1 (eukaryotic translation initiation factor 2 alpha kinase 1; minus strand). Cytogenetic location: 7p22.1.
Variant type: single nucleotide variant.
Coding change: c.850G>A on transcript NM_006303.4 (MANE Select); coding-DNA position 850, G replaced by A.
Protein change: p.Val284Ile; replaces valine 284 with isoleucine.
Molecular consequence: missense variant. On other transcripts: 3 prime UTR variant (2).
Genome position (GRCh38, 1-based): chr7:6,023,578, G>A. VCF-style: chr7-6023578-G-A. GRCh37 (hg19) VCF-style: chr7-6063209-G-A.
Other names: c.*1095C>T (NM_001134335.2, NM_014413.4); c.730G>A, p.Val244Ile (NM_001326606.2); c.643G>A, p.Val215Ile (NM_001326607.2); c.616G>A, p.Val206Ile (NM_001326609.2, NM_001326610.2, NM_001326611.3); c.763G>A, p.Val255Ile (NM_001362785.2); c.718G>A, p.Val240Ile (NM_001362787.2); short protein forms V255I, V206I, V215I, V244I, V240I, V284I.
Identifiers: ClinVar variation 2181421 (VCV002181421.4), dbSNP rs759973375, ClinGen allele CA4150495.

ClinVar aggregate classification (germline): Uncertain significance (1 of 4 stars; one submission).

Allele frequency attached by ClinVar (database versions not stated): gnomAD 0.00001; ExAC 0.00002; TOPMed 0.00002.
gnomAD v4.1: 13 of 1,614,140 alleles (0.00081%); highest among the groups gnomAD compares: Middle Eastern, 0.016%; no homozygotes.

Submission:

Labcorp Genetics (formerly Invitae), Labcorp
Classification: Uncertain significance. Last evaluated: 2023-01-04. Review status: criteria provided, single submitter. Criteria: Invitae Variant Classification Sherloc (09022015). Collection method: clinical testing. Allele origin: germline.
Comment: In summary, the available evidence is currently insufficient to determine the role of this variant in disease. Therefore, it has been classified as a Variant of Uncertain Significance. Algorithms developed to predict the effect of missense changes on protein structure and function (SIFT, PolyPhen-2, Align-GVGD) all suggest that this variant is likely to be tolerated. This variant has not been reported in the literature in individuals affected with AIMP2-related conditions. This variant is present in population databases (rs759973375, gnomAD 0.003%). This sequence change replaces valine, which is neutral and non-polar, with isoleucine, which is neutral and non-polar, at codon 284 of the AIMP2 protein (p.Val284Ile).